The following is an entry in ClinVar:

NM_001111.5(ADAR):c.2306del (p.Phe769fs)

Gene: ADAR (adenosine deaminase RNA specific; minus strand). Cytogenetic location: 1q21.3.
Variant type: Deletion.
Coding change: c.2306del on transcript NM_001111.5 (MANE Select); coding-DNA position 2306, one base deleted (T; older notation c.2306delT).
Protein change: p.Phe769fs; shifts the reading frame from phenylalanine 769.
Molecular consequence: frameshift variant.
Genome position (GRCh38, 1-based): chr1:154,590,374, A deleted on the plus strand (T on the coding strand, the reverse complement: ADAR is on the minus strand); the first of 2 consecutive A bases (chr1:154,590,374-154,590,375); deleting either gives the same sequence. VCF-style (leftmost placement, unchanged base first): chr1-154590373-GA-G. GRCh37 (hg19) VCF-style: chr1-154562849-GA-G.
Other names: c.1421del, p.Phe474fs (NM_001025107.3, NM_001193495.2, NM_001365046.1 and 3 more transcripts); c.2333del, p.Phe778fs (NM_001365045.1); c.2306del, p.Phe769fs (NM_015840.4); c.2249del, p.Phe750fs (NM_015841.4); short protein forms F474fs, F750fs, F769fs, F778fs.
Identifiers: ClinVar variation 4880516 (VCV004880516.2).

ClinVar aggregate classification (germline): Likely pathogenic (1 of 4 stars; one submission).

Submission:

Dasa
Classification: Likely pathogenic. Last evaluated: 2025-04-06. Review status: criteria provided, single submitter. Criteria: DASA Assertion Criteria. Collection method: clinical testing. Allele origin: germline.
Comment: NM_001111.5(ADAR):c.2306del (p.Phe769Serfs*24) is a frameshift variant in ADAR predicted to alter the reading frame and introduce a premature termination codon and is predicted to result in an absent or altered protein product. Loss of function is an established disease mechanism for ADAR-associated disorders. Also, this variant is absent from population databases. Based on the currently available evidence, this variant is classified as likely pathogenic.